The following is an entry in ClinVar:

ClinVar aggregate classification (germline): Uncertain significance (1 of 4 stars; one submission).

Allele frequency attached by ClinVar (database versions not stated): gnomAD exomes below 0.00001.

Submission:

GeneDx
Classification: Uncertain significance. Last evaluated: 2026-10-14. Review status: criteria provided, single submitter. Criteria: GeneDx Variant Classification Process June 2021. Collection method: clinical testing. Allele origin: germline.
Comment: Has not been previously published as pathogenic or benign to our knowledge; In silico analysis supports that this missense variant has a deleterious effect on protein structure/function

NM_006087.4(TUBB4A):c.292G>A (p.Gly98Ser)

Gene: TUBB4A (tubulin beta 4A class IVa; minus strand). Cytogenetic location: 19p13.3.
Variant type: single nucleotide variant.
Coding change: c.292G>A on transcript NM_006087.4 (MANE Select); coding-DNA position 292, G replaced by A.
Protein change: p.Gly98Ser; replaces glycine 98 with serine.
Molecular consequence: missense variant.
Genome position (GRCh38, 1-based): chr19:6,496,207, C>T on the plus strand (G>A on the coding strand, the complement: TUBB4A is on the minus strand). VCF-style: chr19-6496207-C-T. GRCh37 (hg19) VCF-style: chr19-6496218-C-T.
Other names: c.445G>A, p.Gly149Ser (NM_001289123.2); c.427G>A, p.Gly143Ser (NM_001289127.2); c.292G>A, p.Gly98Ser (NM_001289129.2); c.76G>A, p.Gly26Ser (NM_001289130.2, NM_001289131.2); short protein forms G149S, G98S, G143S, G26S.
Identifiers: ClinVar variation 450804 (VCV000450804.3), dbSNP rs1255699601, ClinGen allele CA403592973.